The following is an entry in ClinVar:

NM_004304.5(ALK):c.105_124del (p.Pro36fs)

Gene: ALK (ALK receptor tyrosine kinase; minus strand). Cytogenetic location: 2p23.1.
Variant type: Deletion.
Coding change: c.105_124del on transcript NM_004304.5 (MANE Select); coding-DNA positions 105 to 124, 20 bases deleted (GCCGCCGCTGCAGCCCCGGG).
Protein change: p.Pro36fs; shifts the reading frame from proline 36.
Molecular consequence: frameshift variant.
Genome position (GRCh38, 1-based): chr2:29,920,536-29,920,555, CCCGGGGCTGCAGCGGCGGC deleted on the plus strand (GCCGCCGCTGCAGCCCCGGG on the coding strand, the reverse complement: ALK is on the minus strand); deleting any 20 consecutive bases within chr2:29,920,536-29,920,559 gives the same sequence; the c. name uses the placement nearest the transcript's 3' end. VCF-style (leftmost placement, unchanged base first): chr2-29920535-TCCCGGGGCTGCAGCGGCGGC-T. GRCh37 (hg19) VCF-style: chr2-30143401-TCCCGGGGCTGCAGCGGCGGC-T.
Other names: short protein forms P36fs.
Identifiers: ClinVar variation 2034976 (VCV002034976.4), dbSNP rs2465867581, ClinGen allele CA2580066362.

ClinVar aggregate classification (germline): Uncertain significance (1 of 4 stars; one submission).

Conditions:
Neuroblastoma, susceptibility to, 3. Also called: ALK-Related Neuroblastic Tumor Susceptibility. Identifiers: Orphanet 635, MedGen C2751681, MONDO:0013083, OMIM 613014.

Submission:

Labcorp Genetics (formerly Invitae), Labcorp
Classification: Uncertain significance for Neuroblastoma, susceptibility to, 3. Last evaluated: 2023-12-07. Review status: criteria provided, single submitter. Criteria: Invitae Variant Classification Sherloc (09022015). Collection method: clinical testing. Allele origin: germline.
Comment: This sequence change creates a premature translational stop signal (p.Pro36Alafs*15) in the ALK gene. It is expected to result in an absent or disrupted protein product. However, the current clinical and genetic evidence is not sufficient to establish whether loss-of-function variants in ALK cause disease. This variant is not present in population databases (gnomAD no frequency). This variant has not been reported in the literature in individuals affected with ALK-related conditions. ClinVar contains an entry for this variant (Variation ID: 2034976). In summary, the available evidence is currently insufficient to determine the role of this variant in disease. Therefore, it has been classified as a Variant of Uncertain Significance.